The following is an entry in ClinVar:

ClinVar aggregate classification (germline): Likely benign. Review status: criteria provided, multiple submitters, no conflicts (2 of 4 stars). 5 submissions from 5 submitters: Likely benign (4). 1 of the submissions does not count toward it. Last evaluated 2026-01-26.

Conditions:
Inborn genetic diseases. Identifiers: MedGen C0950123, MeSH D030342.
CWC27-related disorder. Also called: CWC27-related condition.

Allele frequency attached by ClinVar (database versions not stated): gnomAD exomes 0.00008 and 0.00016; ExAC 0.00036; 1000 Genomes Project 30x 0.00141; ESP Exome Variant Server 0.00149; gnomAD 0.00156 and 0.00164; TOPMed 0.00176.
gnomAD v4.1: 352 of 1,408,132 alleles (0.025%); highest among the groups gnomAD compares: African/African-American, 0.48%; no homozygotes.

Submissions (5):

Labcorp Genetics (formerly Invitae), Labcorp
Classification: Likely benign. Last evaluated: 2026-01-26. Review status: criteria provided, single submitter. Criteria: Invitae Variant Classification Sherloc (09022015). Collection method: clinical testing. Allele origin: germline.

Ambry Genetics
Classification: Likely benign for Inborn genetic diseases. Last evaluated: 2025-11-02. Review status: criteria provided, single submitter. Criteria: Ambry Variant Classification Scheme 2023. Collection method: clinical testing. Allele origin: germline.

Blueprint Genetics
Classification: Likely benign. Last evaluated: 2024-08-23. Review status: criteria provided, single submitter. Criteria: ACMG Guidelines, 2015. Collection method: clinical testing. Allele origin: germline.

Breakthrough Genomics
Classification: Likely benign. Review status: criteria provided, single submitter. Criteria: ACMG Guidelines, 2015. Collection method: not provided. Allele origin: germline. Inheritance: Autosomal recessive inheritance. Affected: yes.

PreventionGenetics, part of Exact Sciences
Classification: Likely benign for CWC27-related condition. Last evaluated: 2023-06-21. Review status: no assertion criteria provided. Collection method: clinical testing. Allele origin: germline. Not counted in ClinVar's aggregate classification.
Comment: This variant is classified as likely benign based on ACMG/AMP sequence variant interpretation guidelines (Richards et al. 2015 PMID: 25741868, with internal and published modifications).

NM_005869.4(CWC27):c.764C>A (p.Ala255Glu)

Gene: CWC27 (CWC27 spliceosome associated cyclophilin; plus strand). Cytogenetic location: 5q12.3.
Variant type: single nucleotide variant.
Coding change: c.764C>A on transcript NM_005869.4 (MANE Select); coding-DNA position 764, C replaced by A.
Protein change: p.Ala255Glu; replaces alanine 255 with glutamic acid.
Molecular consequence: missense variant.
Genome position (GRCh38, 1-based): chr5:64,801,316, C>A. VCF-style: chr5-64801316-C-A. GRCh37 (hg19) VCF-style: chr5-64097143-C-A.
Other names: c.764C>A (NM_005869.2, NM_005869.3); c.764C>A, p.Ala255Glu (NM_001297644.1, NM_001297645.2, NM_001318000.2 and 1 more transcripts); short protein forms A255E.
Identifiers: ClinVar variation 1117958 (VCV001117958.14), dbSNP rs140266671, ClinGen allele CA3282085.